The following is an entry in ClinVar:

NM_024675.4(PALB2):c.3373G>C (p.Asp1125His)

Gene: PALB2 (partner and localizer of BRCA2; minus strand). Cytogenetic location: 16p12.2.
Variant type: single nucleotide variant.
Coding change: c.3373G>C on transcript NM_024675.4 (MANE Select); coding-DNA position 3373, G replaced by C.
Protein change: p.Asp1125His; replaces aspartic acid 1125 with histidine.
Molecular consequence: missense variant.
Genome position (GRCh38, 1-based): chr16:23,603,647, C>G on the plus strand (G>C on the coding strand, the complement: PALB2 is on the minus strand). VCF-style: chr16-23603647-C-G. GRCh37 (hg19) VCF-style: chr16-23614968-C-G.
Other names: short protein forms D1125H.
Identifiers: ClinVar variation 629852 (VCV000629852.7), dbSNP rs146444298, ClinGen allele CA7963348.

ClinVar aggregate classification (germline): Uncertain significance. Review status: criteria provided, multiple submitters, no conflicts (2 of 4 stars). 3 submissions from 3 submitters: Uncertain significance (3). Last evaluated 2025-09-23.

Conditions:
Hereditary cancer-predisposing syndrome. Also called: Neoplastic Syndromes, Hereditary; Tumor predisposition; Hereditary neoplastic syndrome; Hereditary Cancer Syndrome. Identifiers: Orphanet 140162, MedGen C0027672, MeSH D009386, MONDO:0015356.
Familial cancer of breast. Also called: BREAST CANCER, FAMILIAL; Hereditary breast cancer; hereditary breast carcinoma. Identifiers: Orphanet 227535, MedGen C0346153, MONDO:0016419, OMIM 114480. Disease mechanism: loss of function.

Allele frequency attached by ClinVar (database versions not stated): 1000 Genomes Project 30x 0.00016.
gnomAD v4.1: 3 of 1,613,718 alleles (0.00019%); highest among the groups gnomAD compares: Middle Eastern, 0.017%; no homozygotes.

Submissions (3):

Color Diagnostics, LLC DBA Color Health
Classification: Uncertain significance for Hereditary cancer-predisposing syndrome. Last evaluated: 2025-09-23. Review status: criteria provided, single submitter. Criteria: ACMG Guidelines, 2015. Collection method: clinical testing. Allele origin: germline.
Comment: This missense variant replaces aspartic acid with histidine at codon 1125 of the PALB2 protein. Computational prediction suggests that this variant may not impact protein structure and function. To our knowledge, functional studies have not been reported for this variant. This variant has not been reported in individuals affected with PALB2-related disorders in the literature. This variant has been identified in 1/251416 chromosomes in the general population by the Genome Aggregation Database (gnomAD). The available evidence is insufficient to determine the role of this variant in disease conclusively. Therefore, this variant is classified as a Variant of Uncertain Significance.

Ambry Genetics
Classification: Uncertain significance for Hereditary cancer-predisposing syndrome. Last evaluated: 2025-03-21. Review status: criteria provided, single submitter. Criteria: Ambry Variant Classification Scheme 2023. Collection method: clinical testing. Allele origin: germline.
Comment: The p.D1125H variant (also known as c.3373G>C), located in coding exon 13 of the PALB2 gene, results from a G to C substitution at nucleotide position 3373. The aspartic acid at codon 1125 is replaced by histidine, an amino acid with similar properties. This amino acid position is not well conserved in available vertebrate species. In addition, this alteration is predicted to be tolerated by in silico analysis. Based on the available evidence, the clinical significance of this variant remains unclear.

Labcorp Genetics (formerly Invitae), Labcorp
Classification: Uncertain significance for Familial cancer of breast. Last evaluated: 2025-01-30. Review status: criteria provided, single submitter. Criteria: Invitae Variant Classification Sherloc (09022015). Collection method: clinical testing. Allele origin: germline.
Comment: This sequence change replaces aspartic acid, which is acidic and polar, with histidine, which is basic and polar, at codon 1125 of the PALB2 protein (p.Asp1125His). This variant is present in population databases (rs146444298, gnomAD 0.003%). This variant has not been reported in the literature in individuals affected with PALB2-related conditions. ClinVar contains an entry for this variant (Variation ID: 629852). An algorithm developed to predict the effect of missense changes on protein structure and function (PolyPhen-2) suggests that this variant is likely to be disruptive. In summary, the available evidence is currently insufficient to determine the role of this variant in disease. Therefore, it has been classified as a Variant of Uncertain Significance.